The following is an entry in ClinVar:

ClinVar aggregate classification (germline): Uncertain significance (1 of 4 stars; one submission).

Submission:

GeneDx
Classification: Uncertain significance. Last evaluated: 2019-08-16. Review status: criteria provided, single submitter. Criteria: GeneDx Variant Classification Process June 2021. Collection method: clinical testing. Allele origin: germline. Affected: yes.
Comment: Not observed in large population cohorts (Lek et al., 2016); In silico analysis, which includes protein predictors and evolutionary conservation, supports that this variant does not alter protein structure/function; Has not been previously published as pathogenic or benign to our knowledge

NM_145331.3(MAP3K7):c.1357G>A (p.Val453Met)

Gene: MAP3K7 (mitogen-activated protein kinase kinase kinase 7; minus strand). Cytogenetic location: 6q15.
Variant type: single nucleotide variant.
Coding change: c.1357G>A on transcript NM_145331.3 (MANE Select); coding-DNA position 1357, G replaced by A.
Protein change: p.Val453Met; replaces valine 453 with methionine.
Molecular consequence: missense variant.
Genome position (GRCh38, 1-based): chr6:90,523,783, C>T on the plus strand (G>A on the coding strand, the complement: MAP3K7 is on the minus strand). VCF-style: chr6-90523783-C-T. GRCh37 (hg19) VCF-style: chr6-91233502-C-T.
Other names: c.1276G>A, p.Val426Met (NM_003188.4, NM_145333.3); c.1357G>A, p.Val453Met (NM_145332.3); short protein forms V426M, V453M.
Identifiers: ClinVar variation 1307980 (VCV001307980.2), dbSNP rs1775232150, ClinGen allele CA365004638.